The following is an entry in ClinVar:

ClinVar aggregate classification (germline): Likely benign (1 of 4 stars; one submission).

Submission:

GeneDx
Classification: Likely benign. Last evaluated: 2021-12-26. Review status: criteria provided, single submitter. Criteria: GeneDx Variant Classification Process June 2021. Collection method: clinical testing. Allele origin: germline. Affected: yes.
Comment: See Variant Classification Assertion Criteria.

NC_000011.10:g.68903846del

Gene: IGHMBP2 (immunoglobulin mu DNA binding protein 2; plus strand). Cytogenetic location: 11q13.3.
Variant type: Deletion.
Genome position: GRCh38 VCF-style: chr11-68903844-GA-G. GRCh37 (hg19) VCF-style: chr11-68671312-GA-G.
Identifiers: ClinVar variation 1706431 (VCV001706431.3), dbSNP rs565452107, ClinGen allele CA6153134.